The following is an entry in ClinVar:

NM_004415.4(DSP):c.4790_4798del (p.Glu1597_Glu1599del)

Gene: DSP (desmoplakin; plus strand). Cytogenetic location: 6p24.3.
Variant type: Deletion.
Coding change: c.4790_4798del on transcript NM_004415.4 (MANE Select); coding-DNA positions 4790 to 4798, 9 bases deleted (AGCTGGAAG; older notation c.4790_4798delAGCTGGAAG).
Protein change: p.Glu1597_Glu1599del.
Molecular consequence: intron variant (on NM_001319034.2).
Genome position (GRCh38, 1-based): chr6:7,580,980-7,580,988, AGCTGGAAG deleted; deleting any 9 consecutive bases within chr6:7,580,975-7,580,988 gives the same sequence; the c. name uses the placement nearest the transcript's 3' end. VCF-style (leftmost placement, unchanged base first): chr6-7580974-AGGAAGAGCT-A. GRCh37 (hg19) VCF-style: chr6-7581207-AGGAAGAGCT-A.
Other names: c.4050+740_4050+748del (NM_001319034.2); c.3582+1208_3582+1216del (NM_001008844.3).
Identifiers: ClinVar variation 4757891 (VCV004757891.1).

ClinVar aggregate classification (germline): Uncertain significance (1 of 4 stars; one submission).

Conditions:
Cardiomyopathy (CMYO). Also called: Cardiomyopathies. Identifiers: Orphanet 167848, MedGen C0878544, MONDO:0004994, HP:0001638. Inheritance: Various modes of inheritance.

Submission:

Color Diagnostics, LLC DBA Color Health
Classification: Uncertain significance for Cardiomyopathy. Last evaluated: 2025-08-28. Review status: criteria provided, single submitter. Criteria: ACMG Guidelines, 2015. Collection method: clinical testing. Allele origin: germline.
Comment: This variant results in an in-frame deletion of 3 amino acisds in the DSP protein (p.Glu1597_Glu1599del). To our knowledge, functional studies have not been reported for this variant. This variant has not been reported in individuals affected with DSP-related disorders in the literature. This variant has been identified in 1/249958 chromosomes in the general population by the Genome Aggregation Database (gnomAD). The available evidence is insufficient to determine the role of this variant in disease conclusively. Therefore, this variant is classified as a Variant of Uncertain Significance.